The following is an entry in ClinVar:

NM_001036.6(RYR3):c.9359C>T (p.Ser3120Leu)

Gene: RYR3 (ryanodine receptor 3; plus strand). Cytogenetic location: 15q14.
Variant type: single nucleotide variant.
Coding change: c.9359C>T on transcript NM_001036.6 (MANE Select); coding-DNA position 9359, C replaced by T.
Protein change: p.Ser3120Leu; replaces serine 3120 with leucine.
Molecular consequence: missense variant.
Genome position (GRCh38, 1-based): chr15:33,785,752, C>T. VCF-style: chr15-33785752-C-T. GRCh37 (hg19) VCF-style: chr15-34077953-C-T.
Other names: c.9359C>T, p.Ser3120Leu (NM_001243996.4); c.9359C>T (NM_001036.3); short protein forms S3120L.
Identifiers: ClinVar variation 1046773 (VCV001046773.9), dbSNP rs373117998, ClinGen allele CA7460504.

ClinVar aggregate classification (germline): Uncertain significance. Review status: criteria provided, multiple submitters, no conflicts (2 of 4 stars). 2 submissions from 2 submitters: Uncertain significance (2). Last evaluated 2025-08-13.

Conditions:
Epileptic encephalopathy. Identifiers: MedGen C0543888, HP:0200134.

Allele frequency attached by ClinVar (database versions not stated): gnomAD exomes 0.00001 and 0.00003; ExAC 0.00004; gnomAD 0.00009 and 0.00011; TOPMed 0.00014; ESP Exome Variant Server 0.00023.
gnomAD v4.1: 30 of 1,613,850 alleles (0.0019%); highest among the groups gnomAD compares: African/African-American, 0.04%; no homozygotes.

Submissions (2):

Ambry Genetics
Classification: Uncertain significance. Last evaluated: 2025-08-13. Review status: criteria provided, single submitter. Criteria: Ambry Variant Classification Scheme 2023. Collection method: clinical testing. Allele origin: germline.

Labcorp Genetics (formerly Invitae), Labcorp
Classification: Uncertain significance for Epileptic encephalopathy. Last evaluated: 2020-10-09. Review status: criteria provided, single submitter. Criteria: Invitae Variant Classification Sherloc (09022015). Collection method: clinical testing. Allele origin: germline.
Comment: In summary, the available evidence is currently insufficient to determine the role of this variant in disease. Therefore, it has been classified as a Variant of Uncertain Significance. Algorithms developed to predict the effect of missense changes on protein structure and function are either unavailable or do not agree on the potential impact of this missense change (SIFT: "Deleterious"; PolyPhen-2: "Possibly Damaging"; Align-GVGD: "Class C0"). This variant has not been reported in the literature in individuals with RYR3-related conditions. This variant is present in population databases (rs373117998, ExAC 0.05%). This sequence change replaces serine with leucine at codon 3120 of the RYR3 protein (p.Ser3120Leu). The serine residue is highly conserved and there is a large physicochemical difference between serine and leucine.